The following is an entry in ClinVar:

NM_015662.3(IFT172):c.239A>C (p.Lys80Thr)

Gene: IFT172 (intraflagellar transport 172; minus strand). Cytogenetic location: 2p23.3.
Variant type: single nucleotide variant.
Coding change: c.239A>C on transcript NM_015662.3 (MANE Select); coding-DNA position 239, A replaced by C.
Protein change: p.Lys80Thr; replaces lysine 80 with threonine.
Molecular consequence: missense variant.
Genome position (GRCh38, 1-based): chr2:27,485,075, T>G on the plus strand (A>C on the coding strand, the complement: IFT172 is on the minus strand). VCF-style: chr2-27485075-T-G. GRCh37 (hg19) VCF-style: chr2-27707942-T-G.
Other names: c.239A>C (NM_015662.2, NM_015662.1); short protein forms K80T.
Identifiers: ClinVar variation 1003996 (VCV001003996.10), dbSNP rs766853711, ClinGen allele CA1581071.

ClinVar aggregate classification (germline): Uncertain significance. Review status: criteria provided, multiple submitters, no conflicts (2 of 4 stars). 4 submissions from 4 submitters: Uncertain significance (4). Last evaluated 2026-02-12.

Conditions:
Retinitis pigmentosa 71 (RP71). Identifiers: Orphanet 791, MedGen C4225342, MONDO:0014618, OMIM 616394.
Short-rib thoracic dysplasia 10 with or without polydactyly (SRTD10). Identifiers: Orphanet 474, MedGen C3810175, MONDO:0014284, OMIM 615630.
IFT172-related disorder. Also called: IFT172-related condition; IFT172-related disorders.
Inborn genetic diseases. Identifiers: MedGen C0950123, MeSH D030342.
Bardet-Biedl syndrome 20. Identifiers: MedGen C4310707, MONDO:0023670, OMIM 619471, MONDO:0014926.

Allele frequency attached by ClinVar (database versions not stated): TOPMed 0.00003; ExAC 0.00001; gnomAD 0.00001; gnomAD exomes 0.00001 and 0.00003.
gnomAD v4.1: 41 of 1,611,782 alleles (0.0025%); highest among the groups gnomAD compares: Non-Finnish European, 0.0034%; no homozygotes.

Submissions (4):

PreventionGenetics, part of Exact Sciences
Classification: Uncertain significance for IFT172-related condition. Last evaluated: 2026-02-12. Review status: criteria provided, single submitter. Criteria: ACMG Guidelines, 2015. Collection method: clinical testing. Allele origin: germline.
Comment: The IFT172 c.239A>C variant is predicted to result in the amino acid substitution p.Lys80Thr. To our knowledge, this variant has not been reported in the literature. This variant is reported in 0.0029% of alleles in individuals of Latino descent in gnomAD. At this time, the clinical significance of this variant is uncertain due to the absence of conclusive functional and genetic evidence.

Fulgent Genetics
Classification: Uncertain significance for Short-rib thoracic dysplasia 10 with or without polydactyly; Retinitis pigmentosa 71; Bardet-Biedl syndrome 20. Last evaluated: 2024-05-17. Review status: criteria provided, single submitter. Criteria: ACMG Guidelines, 2015. Collection method: clinical testing. Allele origin: germline.

Ambry Genetics
Classification: Uncertain significance for Inborn genetic diseases. Last evaluated: 2024-02-17. Review status: criteria provided, single submitter. Criteria: Ambry Variant Classification Scheme 2023. Collection method: clinical testing. Allele origin: germline.

Labcorp Genetics (formerly Invitae), Labcorp
Classification: Uncertain significance for Retinitis pigmentosa 71; Short-rib thoracic dysplasia 10 with or without polydactyly. Last evaluated: 2023-11-28. Review status: criteria provided, single submitter. Criteria: Invitae Variant Classification Sherloc (09022015). Collection method: clinical testing. Allele origin: germline.
Comment: This sequence change replaces lysine, which is basic and polar, with threonine, which is neutral and polar, at codon 80 of the IFT172 protein (p.Lys80Thr). This variant is present in population databases (rs766853711, gnomAD 0.003%). This variant has not been reported in the literature in individuals affected with IFT172-related conditions. ClinVar contains an entry for this variant (Variation ID: 1003996). Advanced modeling of protein sequence and biophysical properties (such as structural, functional, and spatial information, amino acid conservation, physicochemical variation, residue mobility, and thermodynamic stability) performed at Invitae indicates that this missense variant is expected to disrupt IFT172 protein function with a positive predictive value of 80%. In summary, the available evidence is currently insufficient to determine the role of this variant in disease. Therefore, it has been classified as a Variant of Uncertain Significance.